The following is an entry in ClinVar:

NM_000179.3(MSH6):c.3971_4001dup (p.Val1336fs)

Gene: MSH6 (mutS homolog 6; plus strand). Cytogenetic location: 2p16.3.
Variant type: Duplication.
Coding change: c.3971_4001dup on transcript NM_000179.3 (MANE Select); coding-DNA positions 3971 to 4001, 31 bases duplicated.
Protein change: p.Val1336fs; shifts the reading frame from valine 1336.
Molecular consequence: frameshift variant.
Genome position (GRCh38, 1-based): chr2:47,806,621-47,806,651, 31 bases duplicated; duplicating any 31 consecutive bases within chr2:47,806,620-47,806,651 gives the same sequence; the c. name uses the placement nearest the transcript's 3' end. GRCh37 (hg19): chr2:48,033,760-48,033,790.
Other names: c.3581_3611dup, p.Val1206fs (NM_001281492.2); c.3065_3095dup, p.Val1034fs (NM_001281493.2, NM_001281494.2); c.3971_4001dupAGAAGATGAATCAGTCACTACGATTATTTCG (NM_000179.2); c.3971_4001dup (NM_000179.2); short protein forms V1336fs, V1206fs, V1034fs.
Identifiers: ClinVar variation 824446 (VCV000824446.7), dbSNP rs1572747863, ClinGen allele CA915943985.

ClinVar aggregate classification (germline): Uncertain significance. Review status: criteria provided, multiple submitters, no conflicts (2 of 4 stars). 2 submissions from 2 submitters: Uncertain significance (2). Last evaluated 2025-08-20.

Conditions:
Hereditary cancer-predisposing syndrome. Also called: Neoplastic Syndromes, Hereditary; Tumor predisposition; Hereditary neoplastic syndrome; Hereditary Cancer Syndrome. Identifiers: Orphanet 140162, MedGen C0027672, MeSH D009386, MONDO:0015356.

Submissions (2):

Ambry Genetics
Classification: Uncertain significance for Hereditary cancer-predisposing syndrome. Last evaluated: 2025-08-20. Review status: criteria provided, single submitter. Criteria: Ambry Variant Classification Scheme 2023. Collection method: clinical testing. Allele origin: germline.
Comment: The c.3971_4001dup31 variant, located in coding exon 9 of the MSH6 gene, results from a duplication of 31 nucleotides from position 3971 to 4001, causing a translational frameshift with a predicted alternate stop codon (p.V1336Dfs*15). This alteration results in the substitution of 14 amino acids followed by the removal of the last 11 amino acids of the protein. Premature stop codons are typically deleterious in nature, however, this stop codon occurs at the 3' terminus of MSH6 and is not expected to trigger nonsense-mediated mRNA decay. The exact functional impact of these altered and removed amino acids is unknown at this time. Since supporting evidence is limited at this time, the clinical significance of this alteration remains unclear.

Revvity Omics, Revvity
Classification: Uncertain significance. Last evaluated: 2023-03-23. Review status: criteria provided, single submitter. Criteria: ACMG Guidelines, 2015. Collection method: clinical testing. Allele origin: germline.